The following is an entry in ClinVar:

NM_004281.4(BAG3):c.1266G>C (p.Val422=)

Gene: BAG3 (BAG cochaperone 3; plus strand). Cytogenetic location: 10q26.11.
Variant type: single nucleotide variant.
Coding change: c.1266G>C on transcript NM_004281.4 (MANE Select); coding-DNA position 1266, G replaced by C.
Protein change: p.Val422=; no amino-acid change (valine 422 retained).
Molecular consequence: synonymous variant.
Genome position (GRCh38, 1-based): chr10:119,676,820, G>C. VCF-style: chr10-119676820-G-C. GRCh37 (hg19) VCF-style: chr10-121436332-G-C.
Identifiers: ClinVar variation 1696245 (VCV001696245.8), dbSNP rs779661440, ClinGen allele CA5716525.

ClinVar aggregate classification (germline): Likely benign. Review status: criteria provided, multiple submitters, no conflicts (2 of 4 stars). 3 submissions from 3 submitters: Likely benign (3). Last evaluated 2025-08-24.

Conditions:
Cardiovascular phenotype. Identifiers: MedGen CN230736.
Myofibrillar myopathy 6. Identifiers: Orphanet 199340, MedGen C2751831, MONDO:0013061, OMIM 612954.
Dilated cardiomyopathy 1HH (CMD1HH). Identifiers: Orphanet 154, MedGen C3151293, MONDO:0013479, OMIM 613881.

Allele frequency attached by ClinVar (database versions not stated): ExAC 0.00001; gnomAD 0.00001.
gnomAD v4.1: 4 of 1,614,074 alleles (0.00025%); highest among the groups gnomAD compares: Non-Finnish European, 0.00025%; no homozygotes.

Submissions (3):

Labcorp Genetics (formerly Invitae), Labcorp
Classification: Likely benign for Dilated cardiomyopathy 1HH; Myofibrillar myopathy 6. Last evaluated: 2025-08-24. Review status: criteria provided, single submitter. Criteria: Invitae Variant Classification Sherloc (09022015). Collection method: clinical testing. Allele origin: germline.

Ambry Genetics
Classification: Likely benign for Cardiovascular phenotype. Last evaluated: 2022-11-07. Review status: criteria provided, single submitter. Criteria: Ambry Variant Classification Scheme 2023. Collection method: clinical testing. Allele origin: germline.

Women's Health and Genetics/Laboratory Corporation of America, LabCorp
Classification: Likely benign. Last evaluated: 2022-05-17. Review status: criteria provided, single submitter. Criteria: LabCorp Variant Classification Summary - May 2015. Collection method: clinical testing. Allele origin: germline.
Comment: Variant summary: BAG3 c.1266G>C alters a conserved nucleotide resulting in a synonymous change. 4/4 computational tools predict no significant impact on normal splicing. However, these predictions have yet to be confirmed by functional studies. The variant was absent in 251354 control chromosomes (gnomAD). The available data on variant occurrences in the general population are insufficient to allow any conclusion about variant significance. To our knowledge, no occurrence of c.1266G>C in individuals affected with Dilated Cardiomyopathy and no experimental evidence demonstrating its impact on protein function have been reported. No clinical diagnostic laboratories have submitted clinical-significance assessments for this variant to ClinVar after 2014. Based on the evidence outlined above, the variant was classified as likely benign.